The following is an entry in ClinVar:

NM_182972.3(IRF2BP2):c.124_147del (p.Asn42_Val49del)

Gene: IRF2BP2 (interferon regulatory factor 2 binding protein 2; minus strand). Cytogenetic location: 1q42.3.
Variant type: Deletion.
Coding change: c.124_147del on transcript NM_182972.3 (MANE Select); coding-DNA positions 124 to 147, 24 bases deleted (AACTACGAGGGCGCCGACCGCGTC).
Protein change: p.Asn42_Val49del.
Molecular consequence: inframe deletion.
Genome position (GRCh38, 1-based): chr1:234,609,348-234,609,371, GACGCGGTCGGCGCCCTCGTAGTT deleted on the plus strand (AACTACGAGGGCGCCGACCGCGTC on the coding strand, the reverse complement: IRF2BP2 is on the minus strand); deleting any 24 consecutive bases within chr1:234,609,348-234,609,376 gives the same sequence; the c. name uses the placement nearest the transcript's 3' end. VCF-style (leftmost placement, unchanged base first): chr1-234609347-CGACGCGGTCGGCGCCCTCGTAGTT-C. GRCh37 (hg19) VCF-style: chr1-234745093-CGACGCGGTCGGCGCCCTCGTAGTT-C.
Other names: c.124_147del, p.Asn42_Val49del (NM_001077397.1).
Identifiers: ClinVar variation 2431683 (VCV002431683.11), dbSNP rs2528524093, ClinGen allele CA2580062350.

ClinVar aggregate classification (germline): Conflicting classifications of pathogenicity. Review status: criteria provided, conflicting classifications (1 of 4 stars). 2 submissions from 2 submitters: Likely pathogenic (1); Uncertain significance (1). Last evaluated 2026-01-01.

Conditions:
Immunodeficiency, common variable, 14. Identifiers: Orphanet 696904, MedGen C4540380, MONDO:0054691, OMIM 617765.

Submissions (2):

CeGaT Center for Human Genetics Tuebingen
Classification: Uncertain significance. Last evaluated: 2026-01-01. Review status: criteria provided, single submitter. Criteria: CeGaT Center For Human Genetics Tuebingen Variant Classification Criteria Version 2. Collection method: clinical testing. Allele origin: germline. Affected: yes. Observed: 2 variant alleles.
Comment: IRF2BP2: PM2, PM4

Laboratorio de Genetica e Diagnostico Molecular, Hospital Israelita Albert Einstein
Classification: Likely pathogenic for Immunodeficiency, common variable, 14. Last evaluated: 2022-07-05. Review status: criteria provided, single submitter. Criteria: ACMG Guidelines, 2015. Collection method: clinical testing. Allele origin: germline. Affected: yes. Observed: 1 variant allele.
Comment: ACMG classification criteria: PM2 moderated, PM4, PM6 moderated